The following is an entry in ClinVar:

NM_001377.3(DYNC2H1):c.11424G>A (p.Trp3808Ter)

Gene: DYNC2H1 (dynein cytoplasmic 2 heavy chain 1; plus strand). Cytogenetic location: 11q22.3.
Variant type: single nucleotide variant.
Coding change: c.11424G>A on transcript NM_001377.3 (MANE Select); coding-DNA position 11424, G replaced by A.
Protein change: p.Trp3808Ter; replaces tryptophan 3808 with a stop codon.
Molecular consequence: nonsense.
Genome position (GRCh38, 1-based): chr11:103,307,762, G>A. VCF-style: chr11-103307762-G-A. GRCh37 (hg19) VCF-style: chr11-103178491-G-A.
Other names: c.11445G>A, p.Trp3815Ter (NM_001080463.2); short protein forms W3808*, W3815*.
Identifiers: ClinVar variation 5014782 (VCV005014782.1).

ClinVar aggregate classification (germline): Pathogenic (1 of 4 stars; one submission).

Conditions:
Asphyxiating thoracic dystrophy 3. Also called: SHORT-RIB THORACIC DYSPLASIA 3 WITH OR WITHOUT POLYDACTYLY; POLYDACTYLY WITH NEONATAL CHONDRODYSTROPHY, TYPE I; SHORT-RIB THORACIC DYSPLASIA 3/6 WITH POLYDACTYLY, DIGENIC; Short rib polydactyly syndrome 2B; Saldino-Noonan Syndrome. Identifiers: Orphanet 474, Orphanet 93269, Orphanet 93270, Orphanet 93271, MedGen C0036069, MONDO:0013127, OMIM 613091.

gnomAD v4.1: 9 of 1,605,178 alleles (0.00056%); highest among the groups gnomAD compares: Non-Finnish European, 0.00077%; no homozygotes.

Submission:

Myriad Genetics, Inc.
Classification: Pathogenic for Asphyxiating thoracic dystrophy 3. Last evaluated: 2025-07-28. Review status: criteria provided, single submitter. Criteria: Myriad Autosomal Dominant, Autosomal Recessive and X-Linked Classification Criteria (2023). Collection method: clinical testing. Allele origin: unknown.
Comment: NM_001377.2(DYNC2H1):c.11424G>A(W3808*) is expected to be pathogenic in the context of DYNC2H1-related disorders. This variant is predicted to lead to an abnormal or absent protein product due to the creation of a premature termination codon in DYNC2H1, a gene where loss-of-function variants are known to be pathogenic. Please note: this variant was assessed in the context of healthy population screening.